The following is an entry in ClinVar:

ClinVar aggregate classification (germline): Conflicting classifications of pathogenicity. Review status: criteria provided, conflicting classifications (1 of 4 stars). 3 submissions from 3 submitters: Uncertain significance (1); Likely benign (2). Last evaluated 2024-03-11.

Conditions:
Disorders of Intracellular Cobalamin Metabolism. Identifiers: MedGen CN043592.
Methylcobalamin deficiency type cblG (HMAG). Also called: HOMOCYSTINURIA-MEGALOBLASTIC ANEMIA, cblG TYPE; HOMOCYSTINURIA-MEGALOBLASTIC ANEMIA DUE TO DEFECT IN COBALAMIN METABOLISM, cblG COMPLEMENTATION TYPE; HOMOCYSTINURIA-MEGALOBLASTIC ANEMIA, cblG COMPLEMENTATION TYPE; Functional methionine synthase deficiency type cblG. Identifiers: Orphanet 2170, Orphanet 622, MedGen C1855128, MONDO:0009609, OMIM 250940.

Allele frequency attached by ClinVar (database versions not stated): TOPMed 0.00003; gnomAD 0.00004 and 0.00010; gnomAD exomes 0.00008 and 0.00020; ExAC 0.00013; 1000 Genomes Project 30x 0.00031; 1000 Genomes Project 0.00040.
gnomAD v4.1: 300 of 1,614,014 alleles (0.019%); highest among the groups gnomAD compares: East Asian, 0.66%; 4 homozygotes.

Submissions (3):

Labcorp Genetics (formerly Invitae), Labcorp
Classification: Likely benign for Methylcobalamin deficiency type cblG. Last evaluated: 2024-03-11. Review status: criteria provided, single submitter. Criteria: Invitae Variant Classification Sherloc (09022015). Collection method: clinical testing. Allele origin: germline.

Illumina Laboratory Services, Illumina
Classification: Uncertain significance for Disorders of Intracellular Cobalamin Metabolism. Last evaluated: 2018-01-13. Review status: criteria provided, single submitter. Criteria: ICSL Variant Classification Criteria 13 December 2019. Collection method: clinical testing. Allele origin: germline.

GeneDx
Classification: Likely benign. Last evaluated: 2017-07-10. Review status: criteria provided, single submitter. Criteria: GeneDx Variant Classification (06012015). Collection method: clinical testing. Allele origin: germline. Affected: yes.
Comment: This variant is considered likely benign or benign based on one or more of the following criteria: it is a conservative change, it occurs at a poorly conserved position in the protein, it is predicted to be benign by multiple in silico algorithms, and/or has population frequency not consistent with disease.

NM_000254.3(MTR):c.1722T>C (p.Ser574=)

Gene: MTR (5-methyltetrahydrofolate-homocysteine methyltransferase; plus strand). Cytogenetic location: 1q43.
Variant type: single nucleotide variant.
Coding change: c.1722T>C on transcript NM_000254.3 (MANE Select); coding-DNA position 1722, T replaced by C.
Protein change: p.Ser574=; no amino-acid change (serine 574 retained).
Molecular consequence: synonymous variant.
Genome position (GRCh38, 1-based): chr1:236,852,547, T>C. VCF-style: chr1-236852547-T-C. GRCh37 (hg19) VCF-style: chr1-237015847-T-C.
Other names: c.1722T>C, p.Ser574= (NM_001291939.1); c.501T>C, p.Ser167= (NM_001291940.2).
Identifiers: ClinVar variation 296565 (VCV000296565.8), dbSNP rs142857114, ClinGen allele CA1474158.